The following is an entry in ClinVar:

ClinVar aggregate classification (germline): Pathogenic (0 of 4 stars; one submission).

Conditions:
Intellectual developmental disorder with autistic features and language delay, with or without seizures. Identifiers: MedGen C5394447, MONDO:0030051, OMIM 618906.

Submission:

Department of Rehabilitation, Anhui Provincial Children's Hospital
Classification: Pathogenic for Intellectual developmental disorder with autistic features and language delay, with or without seizures. Last evaluated: 2024-03-14. Review status: no assertion criteria provided. Collection method: clinical testing. Allele origin: de novo. Affected: yes.
Comment: This variant occurs in the splicing region, resulting in altered protein function. It is a de novo variant validated through familial segregation analysis.

NM_001394998.1(TANC2):c.2691+1G>T

Gene: TANC2 (tetratricopeptide repeat, ankyrin repeat and coiled-coil containing 2; plus strand). Cytogenetic location: 17q23.3.
Variant type: single nucleotide variant.
Coding change: c.2691+1G>T on transcript NM_001394998.1 (MANE Select); the canonical splice donor site of the intron after coding-DNA position 2691, G replaced by T.
Molecular consequence: splice donor variant.
Genome position (GRCh38, 1-based): chr17:63,379,827, G>T. VCF-style: chr17-63379827-G-T. GRCh37 (hg19) VCF-style: chr17-61457188-G-T.
Other names: c.2469+1G>T (NM_001411076.1, NM_025185.4).
Identifiers: ClinVar variation 3900676 (VCV003900676.1).
Genomic context (GRCh38, chr17:63,379,827, plus strand): 5'-CTAAACCGACAGCAGACTATTGAACTGGGACATCACATCCTCAAAGCACACATTTTTAAG[G>T]TAATTAAAGCAGTTGGAACCATTTTTCCGCCATCTCTAGCAGACTTTCATATGCTTTATG-3'